The following is an entry in ClinVar:

NM_004700.4(KCNQ4):c.603C>T (p.Ser201=)

Gene: KCNQ4 (potassium voltage-gated channel subfamily Q member 4; plus strand). Cytogenetic location: 1p34.2.
Variant type: single nucleotide variant.
Coding change: c.603C>T on transcript NM_004700.4 (MANE Select); coding-DNA position 603, C replaced by T.
Protein change: p.Ser201=; no amino-acid change (serine 201 retained).
Molecular consequence: synonymous variant.
Genome position (GRCh38, 1-based): chr1:40,818,575, C>T. VCF-style: chr1-40818575-C-T. GRCh37 (hg19) VCF-style: chr1-41284247-C-T.
Other names: c.603C>T, p.Ser201= (NM_172163.3).
Identifiers: ClinVar variation 3239340 (VCV003239340.19), dbSNP rs1452989473.

ClinVar aggregate classification (germline): Likely benign (1 of 4 stars; one submission).

gnomAD v4.1: 2 of 1,605,348 alleles (0.00012%); highest among the groups gnomAD compares: Admixed American, 0.0017%; no homozygotes.

Submission:

CeGaT Center for Human Genetics Tuebingen
Classification: Likely benign. Last evaluated: 2024-05-01. Review status: criteria provided, single submitter. Criteria: CeGaT Center For Human Genetics Tuebingen Variant Classification Criteria Version 2. Collection method: clinical testing. Allele origin: germline. Affected: yes. Observed: 1 variant allele.
Comment: KCNQ4: BP4, BP7